The following is an entry in ClinVar:

ClinVar aggregate classification (germline): Conflicting classifications of pathogenicity. Review status: criteria provided, conflicting classifications (1 of 4 stars). 2 submissions from 2 submitters: Uncertain significance (1); Likely benign (1). Last evaluated 2025-06-08.

Allele frequency attached by ClinVar (database versions not stated): ExAC 0.00023; gnomAD exomes 0.00023 and 0.00038; ESP Exome Variant Server 0.00024; gnomAD 0.00032 and 0.00034; TOPMed 0.00034.

Submissions (2):

Labcorp Genetics (formerly Invitae), Labcorp
Classification: Uncertain significance. Last evaluated: 2025-06-08. Review status: criteria provided, single submitter. Criteria: Invitae Variant Classification Sherloc (09022015). Collection method: clinical testing. Allele origin: germline.
Comment: This sequence change replaces threonine, which is neutral and polar, with alanine, which is neutral and non-polar, at codon 413 of the POC5 protein (p.Thr413Ala). This variant is present in population databases (rs201739662, gnomAD 0.05%), and has an allele count higher than expected for a pathogenic variant. This variant has not been reported in the literature in individuals affected with POC5-related conditions. ClinVar contains an entry for this variant (Variation ID: 1516649). An algorithm developed to predict the effect of missense changes on protein structure and function outputs the following: PolyPhen-2: "Benign". The alanine amino acid residue is found in multiple mammalian species, which suggests that this missense change does not adversely affect protein function. In summary, the available evidence is currently insufficient to determine the role of this variant in disease. Therefore, it has been classified as a Variant of Uncertain Significance.

Ambry Genetics
Classification: Likely benign. Last evaluated: 2021-08-13. Review status: criteria provided, single submitter. Criteria: Ambry Variant Classification Scheme 2023. Collection method: clinical testing. Allele origin: germline.

NM_001099271.2(POC5):c.1237A>G (p.Thr413Ala)

Gene: POC5 (POC5 centriolar protein; minus strand). Cytogenetic location: 5q13.3.
Variant type: single nucleotide variant.
Coding change: c.1237A>G on transcript NM_001099271.2 (MANE Select); coding-DNA position 1237, A replaced by G.
Protein change: p.Thr413Ala; replaces threonine 413 with alanine.
Molecular consequence: missense variant.
Genome position (GRCh38, 1-based): chr5:75,685,377, T>C on the plus strand (A>G on the coding strand, the complement: POC5 is on the minus strand). VCF-style: chr5-75685377-T-C. GRCh37 (hg19) VCF-style: chr5-74981202-T-C.
Other names: c.1162A>G, p.Thr388Ala (NM_152408.3); c.1237A>G (NM_001099271.1); short protein forms T388A, T413A.
Identifiers: ClinVar variation 1516649 (VCV001516649.7), dbSNP rs201739662, ClinGen allele CA3310369.